The following is an entry in ClinVar:

NM_033064.5(ATCAY):c.*1586T>C

Gene: ATCAY (ATCAY kinesin light chain interacting caytaxin; plus strand). Cytogenetic location: 19p13.3.
Variant type: single nucleotide variant.
Coding change: c.*1586T>C on transcript NM_033064.5 (MANE Select); 1586 bases downstream of the stop codon, T replaced by C.
Molecular consequence: 3 prime UTR variant.
Genome position (GRCh38, 1-based): chr19:3,926,178, T>C. VCF-style: chr19-3926178-T-C. GRCh37 (hg19) VCF-style: chr19-3926176-T-C.
Identifiers: ClinVar variation 329186 (VCV000329186.5), dbSNP rs10411454, ClinGen allele CA10652445.

ClinVar aggregate classification (germline): Benign (1 of 4 stars; one submission).

Conditions:
Cayman type cerebellar ataxia. Also called: Cayman ataxia. Identifiers: Orphanet 94122, MedGen C1832585, MONDO:0011025, OMIM 601238.

Allele frequency attached by ClinVar (database versions not stated): gnomAD 0.02957 and 0.03139; TOPMed 0.03242; 1000 Genomes Project 0.03474; 1000 Genomes Project 30x 0.03826.

Submission:

Illumina Laboratory Services, Illumina
Classification: Benign for Cayman type cerebellar ataxia. Last evaluated: 2018-01-12. Review status: criteria provided, single submitter. Criteria: ICSL Variant Classification Criteria 13 December 2019. Collection method: clinical testing. Allele origin: germline.
Comment: This variant was observed in the ICSL laboratory as part of a predisposition screen in an ostensibly healthy population. It had not been previously curated by ICSL or reported in the Human Gene Mutation Database (HGMD: prior to June 1st, 2018), and was therefore a candidate for classification through an automated scoring system. Utilizing variant allele frequency, disease prevalence and penetrance estimates, and inheritance mode, an automated score was calculated to assess if this variant is too frequent to cause the disease. Based on the score and internal cut-off values, a variant classified as benign is not then subjected to further curation. The score for this variant resulted in a classification of benign for this disease.